The following is an entry in ClinVar:

NM_001122630.2(CDKN1C):c.254A>G (p.Gln85Arg)

Gene: CDKN1C (cyclin dependent kinase inhibitor 1C; minus strand). Cytogenetic location: 11p15.4.
Variant type: single nucleotide variant.
Coding change: c.254A>G on transcript NM_001122630.2 (MANE Select); coding-DNA position 254, A replaced by G.
Protein change: p.Gln85Arg; replaces glutamine 85 with arginine.
Molecular consequence: missense variant.
Genome position (GRCh38, 1-based): chr11:2,885,203, T>C on the plus strand (A>G on the coding strand, the complement: CDKN1C is on the minus strand). VCF-style: chr11-2885203-T-C. GRCh37 (hg19) VCF-style: chr11-2906433-T-C.
Other names: c.287A>G, p.Gln96Arg (NM_000076.2, NM_001362474.2); c.254A>G, p.Gln85Arg (NM_001122631.2, NM_001362475.2); short protein forms Q85R, Q96R.
Identifiers: ClinVar variation 1056491 (VCV001056491.9), dbSNP rs1220704341, ClinGen allele CA379147072.
Genomic context (GRCh38, chr11:2,885,203, plus strand): 5'-CTGACAGCCACCGCGACCGCGACGGGCCGCGGCGCCAGCAGCAGGCGGCAGCGCCCCACC[T>C]GCACCGTCTCGCGGTAGAACGCGGGCACCGAGTCGCTGTCCACTTCGGTCCACTGCAGGC-3'
Protein context (NP_001116102.1, residues 75-95): SVPAFYRETV[Gln85Arg]VGRCRLLLAP

ClinVar aggregate classification (germline): Uncertain significance. Review status: criteria provided, multiple submitters, no conflicts (2 of 4 stars). 3 submissions from 3 submitters: Uncertain significance (3). Last evaluated 2025-04-02.

Conditions:
Beckwith-Wiedemann syndrome (BWS). Also called: Exomphalos macroglossia gigantism syndrome; EMG SYNDROME. Identifiers: Orphanet 116, MedGen C0004903, MONDO:0007534, OMIM 130650.
IMAGe syndrome. Also called: Intrauterine growth retardation, metaphyseal dysplasia, adrenal hypoplasia congenita, and genital anomalies; Intrauterine Growth Restriction, Metaphyseal Dysplasia, Adrenal Hypoplasia Congenita, and Genital Anomalies. Identifiers: Orphanet 85173, MedGen C1846009, MONDO:0013873, OMIM 614732.

Allele frequency attached by ClinVar (database versions not stated): gnomAD exomes below 0.00001.

Submissions (3):

Labcorp Genetics (formerly Invitae), Labcorp
Classification: Uncertain significance for Beckwith-Wiedemann syndrome. Last evaluated: 2025-04-02. Review status: criteria provided, single submitter. Criteria: Invitae Variant Classification Sherloc (09022015). Collection method: clinical testing. Allele origin: germline.
Comment: This sequence change replaces glutamine, which is neutral and polar, with arginine, which is basic and polar, at codon 96 of the CDKN1C protein (p.Gln96Arg). This variant is not present in population databases (gnomAD no frequency). This variant has not been reported in the literature in individuals affected with CDKN1C-related conditions. ClinVar contains an entry for this variant (Variation ID: 1056491). Invitae Evidence Modeling of protein sequence and biophysical properties (such as structural, functional, and spatial information, amino acid conservation, physicochemical variation, residue mobility, and thermodynamic stability) indicates that this missense variant is not expected to disrupt CDKN1C protein function with a negative predictive value of 80%. In summary, the available evidence is currently insufficient to determine the role of this variant in disease. Therefore, it has been classified as a Variant of Uncertain Significance.

Fulgent Genetics
Classification: Uncertain significance for Beckwith-Wiedemann syndrome; IMAGe syndrome. Last evaluated: 2024-05-21. Review status: criteria provided, single submitter. Criteria: ACMG Guidelines, 2015. Collection method: clinical testing. Allele origin: germline.

Baylor Genetics
Classification: Uncertain significance for Beckwith-Wiedemann syndrome. Last evaluated: 2023-08-12. Review status: criteria provided, single submitter. Criteria: ACMG Guidelines, 2015. Collection method: clinical testing. Allele origin: unknown.